The following is an entry in ClinVar:

ClinVar aggregate classification (germline): Conflicting classifications of pathogenicity. Review status: criteria provided, conflicting classifications (1 of 4 stars). 3 submissions from 3 submitters: Uncertain significance (1); Likely benign (2). Last evaluated 2025-12-09.

Conditions:
Mitochondrial complex II deficiency, nuclear type 1. Also called: SUCCINATE CoQ REDUCTASE DEFICIENCY. Identifiers: Orphanet 3208, MedGen C5700310, MONDO:0100294, OMIM 252011.
Pheochromocytoma/paraganglioma syndrome 5. Also called: SDHA-Related Hereditary Paraganglioma-Pheochromocytoma Syndrome; Paragangliomas 5. Identifiers: Orphanet 29072, MedGen C3279992, MONDO:0013602, OMIM 614165.
Hereditary cancer-predisposing syndrome. Also called: Neoplastic Syndromes, Hereditary; Hereditary Cancer Syndrome; Tumor predisposition; Hereditary neoplastic syndrome. Identifiers: Orphanet 140162, MedGen C0027672, MeSH D009386, MONDO:0015356.

Allele frequency attached by ClinVar (database versions not stated): TOPMed 0.00001.
gnomAD v4.1: 34 of 1,613,714 alleles (0.0021%); highest among the groups gnomAD compares: Non-Finnish European, 0.0027%; no homozygotes.

Submissions (3):

Labcorp Genetics (formerly Invitae), Labcorp
Classification: Likely benign for Pheochromocytoma/paraganglioma syndrome 5; Mitochondrial complex II deficiency, nuclear type 1. Last evaluated: 2025-12-09. Review status: criteria provided, single submitter. Criteria: Invitae Variant Classification Sherloc (09022015). Collection method: clinical testing. Allele origin: germline.

Ambry Genetics
Classification: Likely benign for Hereditary cancer-predisposing syndrome. Last evaluated: 2024-03-29. Review status: criteria provided, single submitter. Criteria: Ambry Variant Classification Scheme 2023. Collection method: clinical testing. Allele origin: germline.

GeneDx
Classification: Uncertain significance. Last evaluated: 2017-09-22. Review status: criteria provided, single submitter. Criteria: GeneDx Variant Classification (06012015). Collection method: clinical testing. Allele origin: germline. Affected: yes.
Comment: The H424Q variant has not been published as a pathogenic variant, nor has it been reported as a benign variant to our knowledge. The H424Q variant is observed in 11/66564 (0.016%) alleles from individuals of European background in large population cohorts (Lek et al., 2016). The H424Q variant is a semi-conservative amino acid substitution, which may impact secondary protein structure as these residues differ in some properties. This substitution occurs at a position that is conserved in mammals. In silico analysis is inconsistent in its predictions as to whether or not the variant is damaging to the protein structure/function. In summary, based on the currently available information, it is unclear whether this variant is a pathogenic variant or a rare benign variant.

NM_004168.4(SDHA):c.1272C>G (p.His424Gln)

Gene: SDHA (succinate dehydrogenase complex flavoprotein subunit A; plus strand). Cytogenetic location: 5p15.33.
Variant type: single nucleotide variant.
Coding change: c.1272C>G on transcript NM_004168.4 (MANE Select); coding-DNA position 1272, C replaced by G.
Protein change: p.His424Gln; replaces histidine 424 with glutamine.
Molecular consequence: missense variant.
Genome position (GRCh38, 1-based): chr5:236,439, C>G. VCF-style: chr5-236439-C-G. GRCh37 (hg19) VCF-style: chr5-236554-C-G.
Other names: c.1128C>G, p.His376Gln (NM_001294332.2); c.1272C>G, p.His424Gln (NM_001330758.2); short protein forms H424Q, H376Q.
Identifiers: ClinVar variation 412380 (VCV000412380.15), dbSNP rs754805626, ClinGen allele CA3173178.